The following is an entry in ClinVar:

NM_001282531.3(ADNP):c.83dup (p.Leu28fs)

Gene: ADNP (activity dependent neuroprotector homeobox; minus strand). Cytogenetic location: 20q13.13.
Variant type: Duplication.
Coding change: c.83dup on transcript NM_001282531.3 (MANE Select); coding-DNA position 83, one base duplicated (T; older notation c.83dupT).
Protein change: p.Leu28fs; shifts the reading frame from leucine 28.
Molecular consequence: frameshift variant.
Genome position (GRCh38, 1-based): chr20:50,903,914, A duplicated on the plus strand (T on the coding strand, the reverse complement: ADNP is on the minus strand); the first of 2 consecutive A bases (chr20:50,903,914-50,903,915); duplicating either gives the same sequence. VCF-style (leftmost placement, unchanged base first): chr20-50903913-C-CA. GRCh37 (hg19) VCF-style: chr20-49520450-C-CA.
Other names: c.83dup, p.Leu28fs (NM_001282532.2, NM_001347511.2, NM_015339.5 and 1 more transcripts); short protein forms L28fs.
Identifiers: ClinVar variation 1712218 (VCV001712218.2), dbSNP rs2515621342, ClinGen allele CA2580098283.
Genomic context (GRCh38, chr20:50,903,913, plus strand): 5'-AGTCATGTTAAAATTTAAAAATGACATGCTACTTACTTCTATATGTTCTTTACAGTATTC[C>CA]AACCCAATGTCACTAAGTATTTTTTTCACAGTTTTCCGGGCTTTTCTTAAACTGCCAAGA-3'

ClinVar aggregate classification (germline): Pathogenic (1 of 4 stars; one submission).

Submission:

GeneDx
Classification: Pathogenic. Last evaluated: 2022-04-15. Review status: criteria provided, single submitter. Criteria: GeneDx Variant Classification Process June 2021. Collection method: clinical testing. Allele origin: germline. Affected: yes.
Comment: Frameshift variant predicted to result in protein truncation or nonsense mediated decay in a gene for which loss of function is a known mechanism of disease; Not observed at significant frequency in large population cohorts (gnomAD); Has not been previously published as pathogenic or benign to our knowledge